The following is an entry in ClinVar:

NM_001303256.3(MORC2):c.1214+9T>C

Gene: MORC2 (MORC family CW-type zinc finger 2; minus strand). Cytogenetic location: 22q12.2.
Variant type: single nucleotide variant.
Coding change: c.1214+9T>C on transcript NM_001303256.3 (MANE Select); 9 bases into the intron after coding-DNA position 1214, T replaced by C.
Molecular consequence: intron variant.
Genome position (GRCh38, 1-based): chr22:30,938,056, A>G on the plus strand (T>C on the coding strand, the complement: MORC2 is on the minus strand). VCF-style: chr22-30938056-A-G. GRCh37 (hg19) VCF-style: chr22-31334043-A-G.
Other names: c.1214+9T>C (NM_001303257.2, NM_001303256.2); c.1028+9T>C (NM_014941.3).
Identifiers: ClinVar variation 2085823 (VCV002085823.6), dbSNP rs771354594, ClinGen allele CA10187025.

ClinVar aggregate classification (germline): Likely benign. Review status: criteria provided, single submitter (1 of 4 stars). 2 submissions from 2 submitters: Likely benign (1). 1 of the submissions does not count toward it. Last evaluated 2024-02-13.

Conditions:
MORC2-related disorder. Also called: MORC2-related condition.
Charcot-Marie-Tooth disease axonal type 2Z. Also called: CHARCOT-MARIE-TOOTH DISEASE, AXONAL, AUTOSOMAL DOMINANT, TYPE 2Z; CHARCOT-MARIE-TOOTH NEUROPATHY, TYPE 2Z. Identifiers: Orphanet 466768, MedGen C5569025, MONDO:0014736, OMIM 616688.

Allele frequency attached by ClinVar (database versions not stated): TOPMed below 0.00001; gnomAD 0.00001; gnomAD exomes 0.00001; ExAC 0.00002.
gnomAD v4.1: 21 of 1,614,026 alleles (0.0013%); highest among the groups gnomAD compares: Non-Finnish European, 0.0015%; no homozygotes.

Submissions (2):

Labcorp Genetics (formerly Invitae), Labcorp
Classification: Likely benign for Charcot-Marie-Tooth disease axonal type 2Z. Last evaluated: 2024-02-13. Review status: criteria provided, single submitter. Criteria: Invitae Variant Classification Sherloc (09022015). Collection method: clinical testing. Allele origin: germline.

PreventionGenetics, part of Exact Sciences
Classification: Likely benign for MORC2-related condition. Last evaluated: 2019-09-25. Review status: no assertion criteria provided. Collection method: clinical testing. Allele origin: germline. Not counted in ClinVar's aggregate classification.
Comment: This variant is classified as likely benign based on ACMG/AMP sequence variant interpretation guidelines (Richards et al. 2015 PMID: 25741868, with internal and published modifications).